The following is an entry in ClinVar:

NM_052876.4(NACC1):c.279C>T (p.Asn93=)

Gene: NACC1 (nucleus accumbens associated 1; plus strand). Cytogenetic location: 19p13.13.
Variant type: single nucleotide variant.
Coding change: c.279C>T on transcript NM_052876.4 (MANE Select); coding-DNA position 279, C replaced by T.
Protein change: p.Asn93=; no amino-acid change (asparagine 93 retained).
Molecular consequence: synonymous variant.
Genome position (GRCh38, 1-based): chr19:13,135,486, C>T. VCF-style: chr19-13135486-C-T. GRCh37 (hg19) VCF-style: chr19-13246300-C-T.
Other names: c.279C>T (NM_052876.3).
Identifiers: ClinVar variation 1554348 (VCV001554348.11), dbSNP rs371854185, ClinGen allele CA9238244.
Genomic context (GRCh38, chr19:13,135,486, plus strand): 5'-GCAGCCCCAGTCTTTCCAGCAGATCCTCAGCTTCTGCTACACGGGCCGGCTGAGCATGAA[C>T]GTGGGCGACCAGTTCCTGCTCATGTACACGGCTGGCTTCCTGCAGATCCAGGAGATCATG-3'
Protein context (NP_443108.1, residues 83-103): SFCYTGRLSM[Asn93=]VGDQFLLMYT

ClinVar aggregate classification (germline): Likely benign. Review status: criteria provided, multiple submitters, no conflicts (2 of 4 stars). 3 submissions from 3 submitters: Likely benign (2). 1 of the submissions does not count toward it. Last evaluated 2025-12-15.

Conditions:
NACC1-related disorder. Also called: NACC1-related condition.

Allele frequency attached by ClinVar (database versions not stated): ExAC 0.00010; gnomAD exomes 0.00013 and 0.00021; ESP Exome Variant Server 0.00015; 1000 Genomes Project 30x 0.00016; 1000 Genomes Project 0.00020; gnomAD 0.00024 and 0.00026; TOPMed 0.00025.
gnomAD v4.1: 345 of 1,613,726 alleles (0.021%); highest among the groups gnomAD compares: Non-Finnish European, 0.025%; no homozygotes.

Submissions (3):

Labcorp Genetics (formerly Invitae), Labcorp
Classification: Likely benign. Last evaluated: 2025-12-15. Review status: criteria provided, single submitter. Criteria: Invitae Variant Classification Sherloc (09022015). Collection method: clinical testing. Allele origin: germline.

Blueprint Genetics
Classification: Likely benign. Last evaluated: 2023-11-22. Review status: criteria provided, single submitter. Criteria: ACMG Guidelines, 2015. Collection method: clinical testing. Allele origin: germline.

PreventionGenetics, part of Exact Sciences
Classification: Likely benign for NACC1-related condition. Last evaluated: 2019-07-24. Review status: no assertion criteria provided. Collection method: clinical testing. Allele origin: germline. Not counted in ClinVar's aggregate classification.
Comment: This variant is classified as likely benign based on ACMG/AMP sequence variant interpretation guidelines (Richards et al. 2015 PMID: 25741868, with internal and published modifications).